The following is an entry in ClinVar:

NM_000548.5(TSC2):c.3867G>C (p.Arg1289Ser)

Gene: TSC2 (TSC complex subunit 2; plus strand). Cytogenetic location: 16p13.3.
Variant type: single nucleotide variant.
Coding change: c.3867G>C on transcript NM_000548.5 (MANE Select); coding-DNA position 3867, G replaced by C.
Protein change: p.Arg1289Ser; replaces arginine 1289 with serine.
Molecular consequence: missense variant. On other transcripts: intron variant (6).
Genome position (GRCh38, 1-based): chr16:2,082,488, G>C. VCF-style: chr16-2082488-G-C. GRCh37 (hg19) VCF-style: chr16-2132489-G-C.
Other names: c.3135G>C, p.Arg1045Ser (NM_001318831.2); c.3735G>C, p.Arg1245Ser (NM_001370404.1); c.3738G>C, p.Arg1246Ser (NM_001370405.1, NM_021055.3); c.3814+690G>C (NM_001114382.3); c.3685+690G>C (NM_001363528.2); c.3682+690G>C (NM_001077183.3); c.3574+690G>C (NM_001318827.2); c.3538+690G>C (NM_001318829.2); and 1 more; short protein forms R1245S, R1289S, R1246S, R1045S.
Identifiers: ClinVar variation 824319 (VCV000824319.17), dbSNP rs1008733639, ClinGen allele CA394295153.

ClinVar aggregate classification (germline): Conflicting classifications of pathogenicity. Review status: criteria provided, conflicting classifications (1 of 4 stars). 4 submissions from 4 submitters: Uncertain significance (3); Benign (1). Last evaluated 2025-10-19.

Conditions:
Hereditary cancer-predisposing syndrome. Also called: Neoplastic Syndromes, Hereditary; Hereditary Cancer Syndrome; Hereditary neoplastic syndrome; Tumor predisposition. Identifiers: Orphanet 140162, MedGen C0027672, MeSH D009386, MONDO:0015356.
Tuberous sclerosis 2 (TSC2). Identifiers: Orphanet 805, MedGen C1860707, MONDO:0013199, OMIM 613254.
Tuberous sclerosis syndrome (TSC). Also called: Tuberous Sclerosis Complex; Tuberous sclerosis. Identifiers: Orphanet 805, MedGen C0041341, MONDO:0001734.

Allele frequency attached by ClinVar (database versions not stated): gnomAD exomes below 0.00001.
gnomAD v4.1: 1 of 1,612,114 alleles (0.000062%); highest among the groups gnomAD compares: Admixed American, 0.0017%; no homozygotes.

Submissions (4):

Labcorp Genetics (formerly Invitae), Labcorp
Classification: Benign for Tuberous sclerosis 2. Last evaluated: 2025-10-19. Review status: criteria provided, single submitter. Criteria: Invitae Variant Classification Sherloc (09022015). Collection method: clinical testing. Allele origin: germline.

Ambry Genetics
Classification: Uncertain significance for Hereditary cancer-predisposing syndrome. Last evaluated: 2025-08-15. Review status: criteria provided, single submitter. Criteria: Ambry Variant Classification Scheme 2023. Collection method: clinical testing. Allele origin: germline.
Comment: The p.R1289S variant (also known as c.3867G>C), located in coding exon 31 of the TSC2 gene, results from a G to C substitution at nucleotide position 3867. The arginine at codon 1289 is replaced by serine, an amino acid with dissimilar properties. This amino acid position is highly conserved in available vertebrate species. In addition, this alteration is predicted to be deleterious by in silico analysis. Since supporting evidence is limited at this time, the clinical significance of this alteration remains unclear.

Color Diagnostics, LLC DBA Color Health
Classification: Uncertain significance for Tuberous sclerosis syndrome. Last evaluated: 2025-06-24. Review status: criteria provided, single submitter. Criteria: ACMG Guidelines, 2015. Collection method: clinical testing. Allele origin: germline.
Comment: This missense variant replaces arginine with serine at codon 1289 of the TSC2 protein. Computational prediction is inconclusive regarding the impact of this variant on protein structure and function. To our knowledge, functional studies have not been reported for this variant. This variant has not been reported in individuals affected with TSC2-related disorders in the literature. This variant has been identified in 1/249770 chromosomes in the general population by the Genome Aggregation Database (gnomAD). The available evidence is insufficient to determine the role of this variant in disease conclusively. Therefore, this variant is classified as a Variant of Uncertain Significance.

Genome-Nilou Lab
Classification: Uncertain significance for Tuberous sclerosis 2. Last evaluated: 2021-11-07. Review status: criteria provided, single submitter. Criteria: ACMG Guidelines, 2015. Collection method: clinical testing. Allele origin: germline. Affected: no.